The following is an entry in ClinVar:

ClinVar aggregate classification (germline): Uncertain significance (1 of 4 stars; one submission).

Conditions:
Short-rib thoracic dysplasia 6 with or without polydactyly (SRTD6). Also called: Majewski Syndrome; SHORT-RIB THORACIC DYSPLASIA 6 WITH POLYDACTYLY; SHORT-RIB THORACIC DYSPLASIA 6 WITHOUT POLYDACTYLY; SHORT RIB-POLYDACTYLY SYNDROME, TYPE IIA; POLYDACTYLY WITH NEONATAL CHONDRODYSTROPHY, TYPE II. Identifiers: MedGen C0024507, MONDO:0009894, OMIM 263520.

Allele frequency attached by ClinVar (database versions not stated): TOPMed below 0.00001; gnomAD 0.00001.
gnomAD v4.1: 1 of 1,569,552 alleles (0.000064%); highest among the groups gnomAD compares: Non-Finnish European, 0.000086%; no homozygotes.

Submission:

Labcorp Genetics (formerly Invitae), Labcorp
Classification: Uncertain significance for Short-rib thoracic dysplasia 6 with or without polydactyly. Last evaluated: 2022-08-16. Review status: criteria provided, single submitter. Criteria: Invitae Variant Classification Sherloc (09022015). Collection method: clinical testing. Allele origin: germline.
Comment: Algorithms developed to predict the effect of missense changes on protein structure and function (SIFT, PolyPhen-2, Align-GVGD) all suggest that this variant is likely to be disruptive. In summary, the available evidence is currently insufficient to determine the role of this variant in disease. Therefore, it has been classified as a Variant of Uncertain Significance. This variant has not been reported in the literature in individuals affected with NEK1-related conditions. This variant is not present in population databases (gnomAD no frequency). This sequence change replaces tyrosine, which is neutral and polar, with histidine, which is basic and polar, at codon 557 of the NEK1 protein (p.Tyr557His).

NM_001199397.3(NEK1):c.1753T>C (p.Tyr585His)

Gene: NEK1 (NIMA related kinase 1; minus strand). Cytogenetic location: 4q33.
Variant type: single nucleotide variant.
Coding change: c.1753T>C on transcript NM_001199397.3 (MANE Select); coding-DNA position 1753, T replaced by C.
Protein change: p.Tyr585His; replaces tyrosine 585 with histidine.
Molecular consequence: missense variant. On other transcripts: non-coding transcript variant (1).
Genome position (GRCh38, 1-based): chr4:169,508,328, A>G on the plus strand (T>C on the coding strand, the complement: NEK1 is on the minus strand). VCF-style: chr4-169508328-A-G. GRCh37 (hg19) VCF-style: chr4-170429479-A-G.
Other names: c.1621T>C, p.Tyr541His (NM_001199398.3); c.1462T>C, p.Tyr488His (NM_001199399.3); c.1537T>C, p.Tyr513His (NM_001199400.3); c.1753T>C, p.Tyr585His (NM_001374418.1); c.1669T>C, p.Tyr557His (NM_001374419.1, NM_012224.4); c.1618T>C, p.Tyr540His (NM_001374420.1); c.1543T>C, p.Tyr515His (NM_001374421.1); short protein forms Y515H, Y541H, Y557H, Y513H, Y540H, Y585H, Y488H.
Identifiers: ClinVar variation 1974351 (VCV001974351.5), dbSNP rs1247614593, ClinGen allele CA358731812.